The following is an entry in ClinVar:

ClinVar aggregate classification (germline): Likely benign. Review status: criteria provided, single submitter (1 of 4 stars). 2 submissions from 2 submitters: Likely benign (1). 1 of the submissions does not count toward it. Last evaluated 2024-02-24.

Conditions:
ERBB4-related disorder. Also called: ERBB4-related condition.

Allele frequency attached by ClinVar (database versions not stated): ExAC 0.00002; TOPMed 0.00002.
gnomAD v4.1: 44 of 1,613,718 alleles (0.0027%); highest among the groups gnomAD compares: African/African-American, 0.004%; no homozygotes.

Submissions (2):

Labcorp Genetics (formerly Invitae), Labcorp
Classification: Likely benign. Last evaluated: 2024-02-24. Review status: criteria provided, single submitter. Criteria: Invitae Variant Classification Sherloc (09022015). Collection method: clinical testing. Allele origin: germline.

PreventionGenetics, part of Exact Sciences
Classification: Likely benign for ERBB4-related condition. Last evaluated: 2023-01-06. Review status: no assertion criteria provided. Collection method: clinical testing. Allele origin: germline. Not counted in ClinVar's aggregate classification.
Comment: This variant is classified as likely benign based on ACMG/AMP sequence variant interpretation guidelines (Richards et al. 2015 PMID: 25741868, with internal and published modifications).

NM_005235.3(ERBB4):c.1878C>T (p.Asn626=)

Gene: ERBB4 (erb-b2 receptor tyrosine kinase 4; minus strand). Cytogenetic location: 2q34.
Variant type: single nucleotide variant.
Coding change: c.1878C>T on transcript NM_005235.3 (MANE Select); coding-DNA position 1878, C replaced by T.
Protein change: p.Asn626=; no amino-acid change (asparagine 626 retained).
Molecular consequence: synonymous variant.
Genome position (GRCh38, 1-based): chr2:211,657,822, G>A on the plus strand (C>T on the coding strand, the complement: ERBB4 is on the minus strand). VCF-style: chr2-211657822-G-A. GRCh37 (hg19) VCF-style: chr2-212522547-G-A.
Other names: c.1878C>T, p.Asn626= (NM_001042599.2).
Identifiers: ClinVar variation 2889169 (VCV002889169.5), dbSNP rs750284038, ClinGen allele CA2087951.